The following is an entry in ClinVar:

ClinVar aggregate classification (germline): Likely benign. Review status: criteria provided, multiple submitters, no conflicts (2 of 4 stars). 2 submissions from 2 submitters: Likely benign (2). Last evaluated 2026-04-01.

Allele frequency attached by ClinVar (database versions not stated): 1000 Genomes Project 30x 0.00062.

Submissions (2):

CeGaT Center for Human Genetics Tuebingen
Classification: Likely benign. Last evaluated: 2026-04-01. Review status: criteria provided, single submitter. Criteria: CeGaT Center For Human Genetics Tuebingen Variant Classification Criteria Version 2. Collection method: clinical testing. Allele origin: germline. Affected: yes. Observed: 3 variant alleles.
Comment: DSPP: BP4, BP7

Blueprint Genetics
Classification: Likely benign. Last evaluated: 2024-10-14. Review status: criteria provided, single submitter. Criteria: ACMG Guidelines, 2015. Collection method: clinical testing. Allele origin: germline.

NM_014208.3(DSPP):c.3237T>C (p.Ser1079=)

Genes: DMP1-AS1 (DMP1 and DSPP antisense RNA 1; minus strand), DSPP (dentin sialophosphoprotein; plus strand). Cytogenetic location: 4q22.1.
Variant type: single nucleotide variant.
Coding change: c.3237T>C on transcript NM_014208.3 (MANE Select); coding-DNA position 3237, T replaced by C.
Protein change: p.Ser1079=; no amino-acid change (serine 1079 retained).
Molecular consequence: synonymous variant.
Genome position (GRCh38, 1-based): chr4:87,615,899, T>C. VCF-style: chr4-87615899-T-C. GRCh37 (hg19) VCF-style: chr4-88537051-T-C.
Identifiers: ClinVar variation 2654904 (VCV002654904.25), dbSNP rs371970214, ClinGen allele CA3001485.